The following is an entry in ClinVar:

ClinVar aggregate classification (germline): Uncertain significance (1 of 4 stars; one submission).

Allele frequency attached by ClinVar (database versions not stated): gnomAD exomes below 0.00001.
gnomAD v4.1: 1 of 1,614,098 alleles (0.000062%); highest among the groups gnomAD compares: Non-Finnish European, 0.000085%; no homozygotes.

Submission:

Labcorp Genetics (formerly Invitae), Labcorp
Classification: Uncertain significance. Last evaluated: 2021-05-26. Review status: criteria provided, single submitter. Criteria: Invitae Variant Classification Sherloc (09022015). Collection method: clinical testing. Allele origin: germline.
Comment: This variant is not present in population databases (ExAC no frequency). This variant has not been reported in the literature in individuals with FAT4-related conditions. Advanced modeling of protein sequence and biophysical properties (such as structural, functional, and spatial information, amino acid conservation, physicochemical variation, residue mobility, and thermodynamic stability) performed at Invitae indicates that this missense variant is not expected to disrupt FAT4 protein function. Algorithms developed to predict the effect of sequence changes on RNA splicing suggest that this variant may create or strengthen a splice site, but this prediction has not been confirmed by published transcriptional studies. In summary, the available evidence is currently insufficient to determine the role of this variant in disease. Therefore, it has been classified as a Variant of Uncertain Significance. This sequence change replaces asparagine with serine at codon 518 of the FAT4 protein (p.Asn518Ser). The asparagine residue is highly conserved and there is a small physicochemical difference between asparagine and serine.

NM_001291303.3(FAT4):c.1553A>G (p.Asn518Ser)

Gene: FAT4 (FAT atypical cadherin 4; plus strand). Cytogenetic location: 4q28.1.
Variant type: single nucleotide variant.
Coding change: c.1553A>G on transcript NM_001291303.3 (MANE Select); coding-DNA position 1553, A replaced by G.
Protein change: p.Asn518Ser; replaces asparagine 518 with serine.
Molecular consequence: missense variant.
Genome position (GRCh38, 1-based): chr4:125,317,964, A>G. VCF-style: chr4-125317964-A-G. GRCh37 (hg19) VCF-style: chr4-126239119-A-G.
Other names: c.1553A>G, p.Asn518Ser (NM_001291285.3, NM_024582.6); short protein forms N518S.
Identifiers: ClinVar variation 1498623 (VCV001498623.8), dbSNP rs1730710235, ClinGen allele CA358118150.